The following is an entry in ClinVar:

NM_001378452.1(ITPR1):c.5053C>G (p.Leu1685Val)

Genes: BRRIAR (BHLHE40 and RIG-I regulating ITPR1 antisense RNA; minus strand), ITPR1 (inositol 1,4,5-trisphosphate receptor type 1; plus strand). Cytogenetic location: 3p26.1.
Variant type: single nucleotide variant.
Coding change: c.5053C>G on transcript NM_001378452.1 (MANE Select); coding-DNA position 5053, C replaced by G.
Protein change: p.Leu1685Val; replaces leucine 1685 with valine.
Molecular consequence: missense variant.
Genome position (GRCh38, 1-based): chr3:4,711,818, C>G. VCF-style: chr3-4711818-C-G. GRCh37 (hg19) VCF-style: chr3-4753502-C-G.
Other names: c.5026C>G, p.Leu1676Val (NM_001099952.4); c.5008C>G, p.Leu1670Val (NM_001168272.2); c.4981C>G, p.Leu1661Val (NM_002222.7); short protein forms L1661V, L1685V, L1676V, L1670V.
Identifiers: ClinVar variation 1932765 (VCV001932765.3), dbSNP rs759249800, ClinGen allele CA351636669.
Genomic context (GRCh38, chr3:4,711,818, plus strand): 5'-TTAATAAAGCATACAAAACAGCTGCTAGAAGAAAATGAAGAGAAGCTCTGCATTAAGGTC[C>G]TACAGACCCTGAGGGAAATGATGACCAAAGATAGAGGCTATGGAGAAAAGGTACTGCATT-3'
Protein context (NP_001365381.1, residues 1675-1695): ENEEKLCIKV[Leu1685Val]QTLREMMTKD

ClinVar aggregate classification (germline): Uncertain significance (1 of 4 stars; one submission).

Allele frequency attached by ClinVar (database versions not stated): TOPMed 0.00001.
gnomAD v4.1: 3 of 1,551,870 alleles (0.00019%); highest among the groups gnomAD compares: Admixed American, 0.002%; no homozygotes.

Submission:

Labcorp Genetics (formerly Invitae), Labcorp
Classification: Uncertain significance. Last evaluated: 2024-01-03. Review status: criteria provided, single submitter. Criteria: Invitae Variant Classification Sherloc (09022015). Collection method: clinical testing. Allele origin: germline.
Comment: This sequence change replaces leucine, which is neutral and non-polar, with valine, which is neutral and non-polar, at codon 1661 of the ITPR1 protein (p.Leu1661Val). This variant is not present in population databases (gnomAD no frequency). This variant has not been reported in the literature in individuals affected with ITPR1-related conditions. ClinVar contains an entry for this variant (Variation ID: 1932765). Advanced modeling of protein sequence and biophysical properties (such as structural, functional, and spatial information, amino acid conservation, physicochemical variation, residue mobility, and thermodynamic stability) has been performed at Invitae for this missense variant, however the output from this modeling did not meet the statistical confidence thresholds required to predict the impact of this variant on ITPR1 protein function. In summary, the available evidence is currently insufficient to determine the role of this variant in disease. Therefore, it has been classified as a Variant of Uncertain Significance.